The following is an entry in ClinVar:

ClinVar aggregate classification (germline): Pathogenic. Review status: criteria provided, multiple submitters, no conflicts (2 of 4 stars). 2 submissions from 2 submitters: Pathogenic (2). Last evaluated 2024-02-16.

Conditions:
Sialidosis. Identifiers: Orphanet 309294, MedGen C0268226, MONDO:0017734.

Allele frequency attached by ClinVar (database versions not stated): gnomAD 0.00001; TOPMed 0.00001.

Submissions (2):

Labcorp Genetics (formerly Invitae), Labcorp
Classification: Pathogenic. Last evaluated: 2024-02-16. Review status: criteria provided, single submitter. Criteria: Invitae Variant Classification Sherloc (09022015). Collection method: clinical testing. Allele origin: germline.
Comment: This sequence change creates a premature translational stop signal (p.Arg280*) in the NEU1 gene. It is expected to result in an absent or disrupted protein product. Loss-of-function variants in NEU1 are known to be pathogenic (PMID: 11063730, 14517945). This variant is present in population databases (no rsID available, gnomAD 0.002%). This premature translational stop signal has been observed in individual(s) with sialidosis (PMID: 11063730). ClinVar contains an entry for this variant (Variation ID: 918138). For these reasons, this variant has been classified as Pathogenic.

Women's Health and Genetics/Laboratory Corporation of America, LabCorp
Classification: Pathogenic for Sialidosis. Last evaluated: 2021-06-17. Review status: criteria provided, single submitter. Criteria: LabCorp Variant Classification Summary - May 2015. Collection method: clinical testing. Allele origin: germline.
Comment: Variant summary: NEU1 c.838C>T (p.Arg280X) results in a premature termination codon, predicted to cause a truncation of the encoded protein or absence of the protein due to nonsense mediated decay, which are commonly known mechanisms for disease. Truncations downstream of this position have been classified as pathogenic by our laboratory. The variant allele was found at a frequency of 8.1e-06 in 246414 control chromosomes (gnomAD). c.838C>T has been reported in the literature in individuals affected with Sialidosis (Bonten_2000, Bhoi_2019, Han_2020). These data indicate that the variant may be associated with disease. To our knowledge, no experimental evidence demonstrating an impact on protein function has been reported. One ClinVar submitter (evaluation after 2014) cites the variant as pathogenic. Based on the evidence outlined above, the variant was classified as pathogenic.

Literature cited by the submitters: PubMed 11063730 (cited by Labcorp Genetics (formerly Invitae), Labcorp and Women's Health and Genetics/Laboratory Corporation of America, LabCorp); PubMed 14517945 (cited by Labcorp Genetics (formerly Invitae), Labcorp); PubMed 32453490 (cited by Women's Health and Genetics/Laboratory Corporation of America, LabCorp); PubMed 30941624 (cited by Women's Health and Genetics/Laboratory Corporation of America, LabCorp); PubMed 32472645 (cited by Women's Health and Genetics/Laboratory Corporation of America, LabCorp).

NM_000434.4(NEU1):c.838C>T (p.Arg280Ter)

Gene: NEU1 (neuraminidase 1; minus strand). Cytogenetic location: 6p21.33.
Variant type: single nucleotide variant.
Coding change: c.838C>T on transcript NM_000434.4 (MANE Select); coding-DNA position 838, C replaced by T.
Protein change: p.Arg280Ter; replaces arginine 280 with a stop codon.
Molecular consequence: nonsense.
Genome position (GRCh38, 1-based): chr6:31,860,225, G>A on the plus strand (C>T on the coding strand, the complement: NEU1 is on the minus strand). VCF-style: chr6-31860225-G-A. GRCh37 (hg19) VCF-style: chr6-31828002-G-A.
Other names: short protein forms R280*.
Identifiers: ClinVar variation 918138 (VCV000918138.15), dbSNP rs945372017, ClinGen allele CA136925764.
Genomic context (GRCh38, chr6:31,860,225, plus strand): 5'-CACAGGCATCATAGCTGCGGAGGACAATTCGGCAGTGGCAGTGGTAGTTGTTCTGGTTTC[G>A]GGCATTGATGACGACTGAGCCATCTGGGAGCTCATAGGGCTGAGGGGAGAGGACAGGACC-3'